The following is an entry in ClinVar:

ClinVar aggregate classification (germline): Conflicting classifications of pathogenicity. Review status: criteria provided, conflicting classifications (1 of 4 stars). 6 submissions from 6 submitters: Uncertain significance (1); Likely benign (3). 2 of the submissions do not count toward it. Last evaluated 2026-01-26.

Conditions:
Inborn genetic diseases. Identifiers: MedGen C0950123, MeSH D030342.
Mucolipidosis type IV (ML4). Also called: ML IV. Identifiers: Orphanet 578, MedGen C0238286, MONDO:0009653, OMIM 252650.
MCOLN1-related disorder. Also called: MCOLN1-related condition.

Allele frequency attached by ClinVar (database versions not stated): ESP Exome Variant Server 0.00008; gnomAD 0.00013 and 0.00015; TOPMed 0.00025; gnomAD exomes 0.00030; ExAC 0.00032.
gnomAD v4.1: 455 of 1,614,104 alleles (0.028%); highest among the groups gnomAD compares: Middle Eastern, 0.21%; 1 homozygote.

Submissions (6):

Labcorp Genetics (formerly Invitae), Labcorp
Classification: Likely benign for Mucolipidosis type IV. Last evaluated: 2026-01-26. Review status: criteria provided, single submitter. Criteria: Invitae Variant Classification Sherloc (09022015). Collection method: clinical testing. Allele origin: germline.

Blueprint Genetics
Classification: Likely benign. Last evaluated: 2024-11-22. Review status: criteria provided, single submitter. Criteria: ACMG Guidelines, 2015. Collection method: clinical testing. Allele origin: germline.

Ambry Genetics
Classification: Likely benign for Inborn genetic diseases. Last evaluated: 2024-06-15. Review status: criteria provided, single submitter. Criteria: Ambry Variant Classification Scheme 2023. Collection method: clinical testing. Allele origin: germline.

Illumina Laboratory Services, Illumina
Classification: Uncertain significance for Mucolipidosis type IV. Last evaluated: 2018-03-30. Review status: criteria provided, single submitter. Criteria: ICSL Variant Classification Criteria 13 December 2019. Collection method: clinical testing. Allele origin: germline.

Natera, Inc.
Classification: Likely benign for Mucolipidosis type IV. Last evaluated: 2020-05-04. Review status: no assertion criteria provided. Collection method: clinical testing. Allele origin: germline. Not counted in ClinVar's aggregate classification.

PreventionGenetics, part of Exact Sciences
Classification: Likely benign for MCOLN1-related condition. Last evaluated: 2019-11-05. Review status: no assertion criteria provided. Collection method: clinical testing. Allele origin: germline. Not counted in ClinVar's aggregate classification.
Comment: This variant is classified as likely benign based on ACMG/AMP sequence variant interpretation guidelines (Richards et al. 2015 PMID: 25741868, with internal and published modifications).

NM_020533.3(MCOLN1):c.216G>A (p.Lys72=)

Gene: MCOLN1 (mucolipin TRP cation channel 1; plus strand). Cytogenetic location: 19p13.2.
Variant type: single nucleotide variant.
Coding change: c.216G>A on transcript NM_020533.3 (MANE Select); coding-DNA position 216, G replaced by A.
Protein change: p.Lys72=; no amino-acid change (lysine 72 retained).
Molecular consequence: synonymous variant.
Genome position (GRCh38, 1-based): chr19:7,525,145, G>A. VCF-style: chr19-7525145-G-A. GRCh37 (hg19) VCF-style: chr19-7590031-G-A.
Identifiers: ClinVar variation 737005 (VCV000737005.20), dbSNP rs369176493, ClinGen allele CA9138642.